The following is an entry in ClinVar:

NM_033026.6(PCLO):c.13194G>T (p.Leu4398Phe)

Gene: PCLO (piccolo presynaptic cytomatrix protein; minus strand). Cytogenetic location: 7q21.11.
Variant type: single nucleotide variant.
Coding change: c.13194G>T on transcript NM_033026.6 (MANE Select); coding-DNA position 13194, G replaced by T.
Protein change: p.Leu4398Phe; replaces leucine 4398 with phenylalanine.
Molecular consequence: missense variant.
Genome position (GRCh38, 1-based): chr7:82,914,792, C>A on the plus strand (G>T on the coding strand, the complement: PCLO is on the minus strand). VCF-style: chr7-82914792-C-A. GRCh37 (hg19) VCF-style: chr7-82544108-C-A.
Other names: c.13194G>T, p.Leu4398Phe (NM_014510.3); short protein forms L4398F.
Identifiers: ClinVar variation 2767385 (VCV002767385.3), dbSNP rs1357899033, ClinGen allele CA367883691.

ClinVar aggregate classification (germline): Uncertain significance (1 of 4 stars; one submission).

Submission:

Labcorp Genetics (formerly Invitae), Labcorp
Classification: Uncertain significance. Last evaluated: 2023-10-10. Review status: criteria provided, single submitter. Criteria: Invitae Variant Classification Sherloc (09022015). Collection method: clinical testing. Allele origin: germline.
Comment: This sequence change replaces leucine, which is neutral and non-polar, with phenylalanine, which is neutral and non-polar, at codon 4398 of the PCLO protein (p.Leu4398Phe). This variant is not present in population databases (gnomAD no frequency). This variant has not been reported in the literature in individuals affected with PCLO-related conditions. Experimental studies and prediction algorithms are not available or were not evaluated, and the functional significance of this variant is currently unknown. In summary, the available evidence is currently insufficient to determine the role of this variant in disease. Therefore, it has been classified as a Variant of Uncertain Significance.